The following is an entry in ClinVar:

NM_001324418.2(ADAM22):c.1545G>A (p.Thr515=)

Gene: ADAM22 (ADAM metallopeptidase domain 22; plus strand). Cytogenetic location: 7q21.12.
Variant type: single nucleotide variant.
Coding change: c.1545G>A on transcript NM_001324418.2 (MANE Select); coding-DNA position 1545, G replaced by A.
Protein change: p.Thr515=; no amino-acid change (threonine 515 retained).
Molecular consequence: synonymous variant.
Genome position (GRCh38, 1-based): chr7:88,149,036, G>A. VCF-style: chr7-88149036-G-A. GRCh37 (hg19) VCF-style: chr7-87778351-G-A.
Other names: c.1545G>A, p.Thr515= (NM_016351.6, NM_021721.5, NM_021722.6 and 6 more transcripts); c.1542G>A, p.Thr514= (NM_001391978.1, NM_001391979.1, NM_001391981.1 and 2 more transcripts); c.1596G>A, p.Thr532= (NM_001391980.1, NM_001391975.1); c.1521G>A, p.Thr507= (NM_001391982.1).
Identifiers: ClinVar variation 2657663 (VCV002657663.24), dbSNP rs376590882, ClinGen allele CA162122332.

ClinVar aggregate classification (germline): Likely benign (1 of 4 stars; one submission).

Allele frequency attached by ClinVar (database versions not stated): TOPMed below 0.00001; gnomAD exomes 0.00001; ESP Exome Variant Server 0.00008.
gnomAD v4.1: 10 of 1,611,990 alleles (0.00062%); highest among the groups gnomAD compares: East Asian, 0.0045%; no homozygotes.

Submission:

CeGaT Center for Human Genetics Tuebingen
Classification: Likely benign. Last evaluated: 2023-06-01. Review status: criteria provided, single submitter. Criteria: CeGaT Center For Human Genetics Tuebingen Variant Classification Criteria Version 2. Collection method: clinical testing. Allele origin: germline. Affected: yes. Observed: 1 variant allele.
Comment: ADAM22: BP4, BP7